The following is an entry in ClinVar:

ClinVar aggregate classification (germline): Uncertain significance (1 of 4 stars; one submission).

Submission:

GeneDx
Classification: Uncertain significance. Last evaluated: 2024-09-12. Review status: criteria provided, single submitter. Criteria: GeneDx Variant Classification Process June 2021. Collection method: clinical testing. Allele origin: germline. Affected: yes.
Comment: Not observed at significant frequency in large population cohorts (gnomAD); In silico analysis supports that this missense variant has a deleterious effect on protein structure/function; Has not been previously published as pathogenic or benign to our knowledge

NM_134261.3(RORA):c.475G>C (p.Glu159Gln)

Genes: RORA (RAR related orphan receptor A; minus strand), RORA-AS1 (RORA antisense RNA 1; plus strand). Cytogenetic location: 15q22.2.
Variant type: single nucleotide variant.
Coding change: c.475G>C on transcript NM_134261.3 (MANE Select); coding-DNA position 475, G replaced by C.
Protein change: p.Glu159Gln; replaces glutamic acid 159 with glutamine.
Molecular consequence: missense variant.
Genome position (GRCh38, 1-based): chr15:60,511,571, C>G on the plus strand (G>C on the coding strand, the complement: RORA is on the minus strand). VCF-style: chr15-60511571-C-G. GRCh37 (hg19) VCF-style: chr15-60803770-C-G.
Other names: c.550G>C, p.Glu184Gln (NM_002943.4); c.574G>C, p.Glu192Gln (NM_134260.3); c.310G>C, p.Glu104Gln (NM_134262.3); short protein forms E104Q, E159Q, E184Q, E192Q.
Identifiers: ClinVar variation 3774050 (VCV003774050.1).